The following is an entry in ClinVar:

NM_000352.6(ABCC8):c.2284G>C (p.Asp762His)

Gene: ABCC8 (ATP binding cassette subfamily C member 8; minus strand). Cytogenetic location: 11p15.1.
Variant type: single nucleotide variant.
Coding change: c.2284G>C on transcript NM_000352.6 (MANE Select); coding-DNA position 2284, G replaced by C.
Protein change: p.Asp762His; replaces aspartic acid 762 with histidine.
Molecular consequence: missense variant. On other transcripts: non-coding transcript variant (1).
Genome position (GRCh38, 1-based): chr11:17,415,311, C>G on the plus strand (G>C on the coding strand, the complement: ABCC8 is on the minus strand). VCF-style: chr11-17415311-C-G. GRCh37 (hg19) VCF-style: chr11-17436858-C-G.
Other names: c.2287G>C, p.Asp763His (NM_001287174.3); c.2350G>C, p.Asp784His (NM_001351295.2); c.2284G>C, p.Asp762His (NM_001351296.2); c.2281G>C, p.Asp761His (NM_001351297.2); short protein forms D761H, D762H, D763H, D784H.
Identifiers: ClinVar variation 3612339 (VCV003612339.1).
Genomic context (GRCh38, chr11:17,415,311, plus strand): 5'-GAGCACCCTGGAGGGAGTTGACCCTGGGGGGCAATGTTCCCAGGACGCAGTACCTGATAT[C>G]CAAGTCGGTCGCTGTCTCCCGCTCTGGGCTGCAGCAGGGGAGGAAAGGCATACTGAGCTC-3'
Protein context (NP_000343.2, residues 752-772): SPERETATDL[Asp762His]IRKRGPVAYA

ClinVar aggregate classification (germline): Uncertain significance (1 of 4 stars; one submission).

Submission:

Labcorp Genetics (formerly Invitae), Labcorp
Classification: Uncertain significance. Last evaluated: 2024-03-03. Review status: criteria provided, single submitter. Criteria: Invitae Variant Classification Sherloc (09022015). Collection method: clinical testing. Allele origin: germline.
Comment: This sequence change replaces aspartic acid, which is acidic and polar, with histidine, which is basic and polar, at codon 762 of the ABCC8 protein (p.Asp762His). This variant is not present in population databases (gnomAD no frequency). This variant has not been reported in the literature in individuals affected with ABCC8-related conditions. Advanced modeling of protein sequence and biophysical properties (such as structural, functional, and spatial information, amino acid conservation, physicochemical variation, residue mobility, and thermodynamic stability) has been performed at Invitae for this missense variant, however the output from this modeling did not meet the statistical confidence thresholds required to predict the impact of this variant on ABCC8 protein function. In summary, the available evidence is currently insufficient to determine the role of this variant in disease. Therefore, it has been classified as a Variant of Uncertain Significance.